The following is an entry in ClinVar:

NM_003754.3(EIF3F):c.10C>T (p.Pro4Ser)

Gene: EIF3F (eukaryotic translation initiation factor 3 subunit F; plus strand). Cytogenetic location: 11p15.4.
Variant type: single nucleotide variant.
Coding change: c.10C>T on transcript NM_003754.3 (MANE Select); coding-DNA position 10, C replaced by T.
Protein change: p.Pro4Ser; replaces proline 4 with serine.
Molecular consequence: missense variant.
Genome position (GRCh38, 1-based): chr11:7,987,362, C>T. VCF-style: chr11-7987362-C-T. GRCh37 (hg19) VCF-style: chr11-8008909-C-T.
Other names: short protein forms P4S.
Identifiers: ClinVar variation 3045137 (VCV003045137.2), dbSNP rs367735033, ClinGen allele CA5870359.

ClinVar aggregate classification (germline): Likely benign (0 of 4 stars; one submission).

Conditions:
EIF3F-related disorder. Also called: EIF3F-related condition.

Allele frequency attached by ClinVar (database versions not stated): TOPMed 0.00023; 1000 Genomes Project 30x 0.00109; 1000 Genomes Project 0.00140.

Submission:

PreventionGenetics, part of Exact Sciences
Classification: Likely benign for EIF3F-related condition. Last evaluated: 2022-09-13. Review status: no assertion criteria provided. Collection method: clinical testing. Allele origin: germline.
Comment: This variant is classified as likely benign based on ACMG/AMP sequence variant interpretation guidelines (Richards et al. 2015 PMID: 25741868, with internal and published modifications).